The following is an entry in ClinVar:

NM_001281740.3(FHOD3):c.1791C>G (p.Thr597=)

Gene: FHOD3 (formin homology 2 domain containing 3; plus strand). Cytogenetic location: 18q12.2.
Variant type: single nucleotide variant.
Coding change: c.1791C>G on transcript NM_001281740.3 (MANE Select); coding-DNA position 1791, C replaced by G.
Protein change: p.Thr597=; no amino-acid change (threonine 597 retained).
Molecular consequence: synonymous variant.
Genome position (GRCh38, 1-based): chr18:36,658,144, C>G. VCF-style: chr18-36658144-C-G. GRCh37 (hg19) VCF-style: chr18-34238107-C-G.
Other names: c.1791C>G (NM_001281740.2); c.1266C>G, p.Thr422= (NM_001281739.3, NM_025135.5).
Identifiers: ClinVar variation 4938757 (VCV004938757.2).

ClinVar aggregate classification (germline): Likely benign. Review status: criteria provided, multiple submitters, no conflicts (2 of 4 stars). 2 submissions from 2 submitters: Likely benign (2). Last evaluated 2026-02-17.

Conditions:
FHOD3-related disorder. Also called: FHOD3-related condition.

gnomAD v4.1: 176 of 1,591,372 alleles (0.011%); highest among the groups gnomAD compares: East Asian, 0.23%; no homozygotes.

Submissions (2):

PreventionGenetics, part of Exact Sciences
Classification: Likely benign for FHOD3-related condition. Last evaluated: 2026-02-17. Review status: criteria provided, single submitter. Criteria: ACMG Guidelines, 2015. Collection method: clinical testing. Allele origin: germline.
Comment: This variant is classified as likely benign based on ACMG/AMP sequence variant interpretation guidelines (Richards et al. 2015 PMID: 25741868, with internal and published modifications).

Blueprint Genetics
Classification: Likely benign. Last evaluated: 2024-09-10. Review status: criteria provided, single submitter. Criteria: ACMG Guidelines, 2015. Collection method: clinical testing. Allele origin: germline.